The following is an entry in ClinVar:

NM_000540.3(RYR1):c.7214+3G>T

Gene: RYR1 (ryanodine receptor 1; plus strand). Cytogenetic location: 19q13.2.
Variant type: single nucleotide variant.
Coding change: c.7214+3G>T on transcript NM_000540.3 (MANE Select); 3 bases into the intron after coding-DNA position 7214, G replaced by T.
Molecular consequence: intron variant.
Genome position (GRCh38, 1-based): chr19:38,499,824, G>T. VCF-style: chr19-38499824-G-T. GRCh37 (hg19) VCF-style: chr19-38990464-G-T.
Other names: c.7214+3G>T (NM_001042723.2).
Identifiers: ClinVar variation 3070224 (VCV003070224.1), dbSNP rs1483286544, ClinGen allele CA2825002779.
Genomic context (GRCh38, chr19:38,499,824, plus strand): 5'-TCTCCGAGGACCCTGCGAGGGATGGCCCAGGCATCCGCAGGGACCGGCGGCGCGAGCAGT[G>T]AGTCTCCCGGCCCCCTCCTCAATAGGGCAACCCGCCCTCCCTGGCCCCTGGCTGCCTCCC-3'

ClinVar aggregate classification (germline): Uncertain significance (1 of 4 stars; one submission).

Conditions:
Malignant hyperthermia, susceptibility to, 1 (MHS1). Also called: RYR1-Related Malignant Hyperthermia Susceptibility; Anesthesia related hyperthermia; Malignant hyperpyrexia; Fulminating hyperpyrexia; Pharmacogenic myopathy; Malignant hyperthermia suceptibility 1. Identifiers: Orphanet 423, MedGen C2930980, MONDO:0007783, OMIM 145600.

Submission:

All of Us Research Program, National Institutes of Health
Classification: Uncertain significance for Malignant hyperthermia, susceptibility to, 1. Last evaluated: 2023-04-03. Review status: criteria provided, single submitter. Criteria: ACMG Guidelines, 2015. Collection method: clinical testing. Allele origin: germline. Inheritance: Autosomal dominant inheritance. Observed: 1 variant allele, 1 heterozygote.
Comment: This variant causes a G to T nucleotide substitution at the +3 position of intron 44 of the RYR1 gene. To our knowledge, RNA studies have not been reported for this variant. This variant has not been reported in individuals affected with RYR1-related disorders in the literature. This variant has not been identified in the general population by the Genome Aggregation Database (gnomAD). The available evidence is insufficient to determine the role of this variant in disease conclusively. Therefore, this variant is classified as a Variant of Uncertain Significance.

This study involves interpretation of variants in research participants for the purpose of population health screening. Participant phenotype was not available at the time of variant classification. Additional details can be found in publication PMID: 35346344, PMCID: PMC8962531